The following is an entry in ClinVar:

NM_001003722.2(GLE1):c.815_835delinsC (p.Leu272fs)

Gene: GLE1 (GLE1 RNA export mediator; plus strand). Cytogenetic location: 9q34.11.
Variant type: Indel.
Coding change: c.815_835delinsC on transcript NM_001003722.2 (MANE Select); coding-DNA positions 815 to 835, TTAAGGTCGACCTGGCTGCCT replaced by C.
Protein change: p.Leu272fs; shifts the reading frame from leucine 272.
Molecular consequence: frameshift variant.
Genome position (GRCh38, 1-based): chr9:128,523,764-128,523,784, TTAAGGTCGACCTGGCTGCCT replaced by C. VCF-style: chr9-128523764-TTAAGGTCGACCTGGCTGCCT-C. GRCh37 (hg19) VCF-style: chr9-131286043-TTAAGGTCGACCTGGCTGCCT-C.
Other names: c.815_835delinsC, p.Leu272fs (NM_001499.2); short protein forms L272fs.
Identifiers: ClinVar variation 970928 (VCV000970928.5), dbSNP rs1847221082, ClinGen allele CA1139661253.
Genomic context (GRCh38, chr9:128,523,764, plus strand): 5'-AGGAGGAGATGCTGCAGCTCAGCCAGCAGCTGGATGCCTCTGAGCAGCACAAAGCCCTGC[TTAAGGTCGACCTGGCTGCCT>C]TCCAGACCCGAGGCAACCAGCTGTGCAGCCTCATCTCAGGGATCATCCGGGCCTCTTCAG-3'

ClinVar aggregate classification (germline): Pathogenic (1 of 4 stars; one submission).

Submission:

Labcorp Genetics (formerly Invitae), Labcorp
Classification: Pathogenic. Last evaluated: 2019-09-13. Review status: criteria provided, single submitter. Criteria: Invitae Variant Classification Sherloc (09022015). Collection method: clinical testing. Allele origin: germline.
Comment: Loss-of-function variants in GLE1 are known to be pathogenic (PMID: 18204449, 24243016, 27684565). For these reasons, this variant has been classified as Pathogenic. This variant has not been reported in the literature in individuals with GLE1-related conditions. This variant is not present in population databases (ExAC no frequency). This sequence change creates a premature translational stop signal (p.Lys272Profs*32) in the GLE1 gene. It is expected to result in an absent or disrupted protein product.

Literature cited by the submitters: PubMed 18204449; PubMed 24243016; PubMed 27684565.